The following is an entry in ClinVar:

ClinVar aggregate classification (germline): Conflicting classifications of pathogenicity. Review status: criteria provided, conflicting classifications (1 of 4 stars). 7 submissions from 7 submitters: Uncertain significance (1); Benign (1); Likely benign (4). 1 of the submissions does not count toward it. Last evaluated 2026-01-01.

Conditions:
MGAT2-related disorder. Also called: MGAT2-related condition.
Inborn genetic diseases. Identifiers: MedGen C0950123, MeSH D030342.
MGAT2-congenital disorder of glycosylation. Also called: MGAT2-CDG; Congenital disorder of glycosylation, type IIa; MENTAL RETARDATION, GROWTH RETARDATION, PROMINENT COLUMELLA, AND OPEN MOUTH; Alkuraya syndrome; CDG IIa. Identifiers: Orphanet 79329, MedGen C2931008, MONDO:0008908, OMIM 212066.

Allele frequency attached by ClinVar (database versions not stated): 1000 Genomes Project 0.00080; 1000 Genomes Project 30x 0.00094; gnomAD 0.00138 and 0.00139; TOPMed 0.00139; ESP Exome Variant Server 0.00146.

Submissions (7):

CeGaT Center for Human Genetics Tuebingen
Classification: Likely benign. Last evaluated: 2026-01-01. Review status: criteria provided, single submitter. Criteria: CeGaT Center For Human Genetics Tuebingen Variant Classification Criteria Version 2. Collection method: clinical testing. Allele origin: germline. Affected: yes. Observed: 1 variant allele.
Comment: MGAT2: PP3, BS2

Labcorp Genetics (formerly Invitae), Labcorp
Classification: Likely benign for MGAT2-congenital disorder of glycosylation. Last evaluated: 2025-12-24. Review status: criteria provided, single submitter. Criteria: Invitae Variant Classification Sherloc (09022015). Collection method: clinical testing. Allele origin: germline.

GeneDx
Classification: Likely benign. Last evaluated: 2022-10-26. Review status: criteria provided, single submitter. Criteria: GeneDx Variant Classification Process June 2021. Collection method: clinical testing. Allele origin: germline. Affected: yes.
Comment: See Variant Classification Assertion Criteria.

Ambry Genetics
Classification: Likely benign for Inborn genetic diseases. Last evaluated: 2021-11-02. Review status: criteria provided, single submitter. Criteria: Ambry Variant Classification Scheme 2023. Collection method: clinical testing. Allele origin: germline.

Illumina Laboratory Services, Illumina
Classification: Uncertain significance for MGAT2-congenital disorder of glycosylation. Last evaluated: 2018-01-13. Review status: criteria provided, single submitter. Criteria: ICSL Variant Classification Criteria 13 December 2019. Collection method: clinical testing. Allele origin: germline.

Genomic Diagnostic Laboratory, Division of Genomic Diagnostics, Children's Hospital of Philadelphia
Classification: Benign. Last evaluated: 2015-05-12. Review status: criteria provided, single submitter. Criteria: DGD Variant Analysis Guidelines. Collection method: clinical testing. Allele origin: unknown.

PreventionGenetics, part of Exact Sciences
Classification: Likely benign for MGAT2-related condition. Last evaluated: 2022-05-08. Review status: no assertion criteria provided. Collection method: clinical testing. Allele origin: germline. Not counted in ClinVar's aggregate classification.
Comment: This variant is classified as likely benign based on ACMG/AMP sequence variant interpretation guidelines (Richards et al. 2015 PMID: 25741868, with internal and published modifications).

NM_002408.4(MGAT2):c.99G>T (p.Lys33Asn)

Gene: MGAT2 (alpha-1,6-mannosyl-glycoprotein 2-beta-N-acetylglucosaminyltransferase; plus strand). Cytogenetic location: 14q21.3.
Variant type: single nucleotide variant.
Coding change: c.99G>T on transcript NM_002408.4 (MANE Select); coding-DNA position 99, G replaced by T.
Protein change: p.Lys33Asn; replaces lysine 33 with asparagine.
Molecular consequence: missense variant.
Genome position (GRCh38, 1-based): chr14:49,621,367, G>T. VCF-style: chr14-49621367-G-T. GRCh37 (hg19) VCF-style: chr14-50088085-G-T.
Other names: short protein forms K33N.
Identifiers: ClinVar variation 218607 (VCV000218607.23), dbSNP rs140584714, ClinGen allele CA248876.